The following is an entry in ClinVar:

NM_003119.4(SPG7):c.185G>A (p.Ser62Asn)

Gene: SPG7 (SPG7 matrix AAA peptidase subunit, paraplegin; plus strand). Cytogenetic location: 16q24.3.
Variant type: single nucleotide variant.
Coding change: c.185G>A on transcript NM_003119.4 (MANE Select); coding-DNA position 185, G replaced by A.
Protein change: p.Ser62Asn; replaces serine 62 with asparagine.
Molecular consequence: missense variant.
Genome position (GRCh38, 1-based): chr16:89,510,491, G>A. VCF-style: chr16-89510491-G-A. GRCh37 (hg19) VCF-style: chr16-89576899-G-A.
Other names: p.Ser62Asn; c.185G>A, p.Ser62Asn (NM_001363850.1, NM_199367.3); short protein forms S62N.
Identifiers: ClinVar variation 411679 (VCV000411679.15), dbSNP rs143294686, ClinGen allele CA8243455.

ClinVar aggregate classification (germline): Uncertain significance. Review status: criteria provided, multiple submitters, no conflicts (2 of 4 stars). 3 submissions from 3 submitters: Uncertain significance (3). Last evaluated 2021-08-19.

Conditions:
Hereditary spastic paraplegia 7 (SPG7). Also called: Spastic paraplegia 7; Hereditary spastic paraplegia Paraplegin type; SPG7-related neurologic disorder; Autosomal recessive spastic paraplegia type 7; SPASTIC PARAPLEGIA 7, AUTOSOMAL RECESSIVE, WITH OR WITHOUT CEREBELLAR ATAXIA. Identifiers: Orphanet 99013, MedGen C1846564, MONDO:0011803, OMIM 607259.

Allele frequency attached by ClinVar (database versions not stated): ExAC 0.00002; gnomAD 0.00002; ESP Exome Variant Server 0.00008; gnomAD exomes 0.00009.

Submissions (3):

Mayo Clinic Laboratories, Mayo Clinic
Classification: Uncertain significance. Last evaluated: 2021-08-19. Review status: criteria provided, single submitter. Criteria: ACMG Guidelines, 2015. Collection method: clinical testing. Allele origin: germline.

Eurofins Ntd Llc (ga)
Classification: Uncertain significance. Last evaluated: 2017-01-04. Review status: criteria provided, single submitter. Criteria: EGL Classification Definitions 2015. Collection method: clinical testing. Allele origin: germline. Observed: 1 variant allele, 1 heterozygote.

Labcorp Genetics (formerly Invitae), Labcorp
Classification: Uncertain significance for Hereditary spastic paraplegia 7. Last evaluated: 2016-08-25. Review status: criteria provided, single submitter. Criteria: Invitae Variant Classification Sherloc (09022015). Collection method: clinical testing. Allele origin: germline.
Comment: In summary, this variant is a rare missense change that is not predicted to affect protein function. There is no indication that it causes disease, but the available evidence is currently insufficient to prove that conclusively. Therefore, it has been classified as a Variant of Uncertain Significance. Algorithms developed to predict the effect of missense changes on protein structure and function output the following: (SIFT: "Tolerated"; PolyPhen-2: "Benign"; Align-GVGD: "Class C0"). The asparagine amino acid residue is also found in multiple mammalian species, suggesting that this missense change does not adversely affect protein function. These predictions have not been confirmed by published functional studies. This variant is present in population databases at a very low frequency (rs143294686, ExAC <0.01%) but has not been reported in the literature in individuals with a SPG7-related disease. This sequence change replaces serine with asparagine at codon 62 of the SPG7 protein (p.Ser62Asn). The serine residue is weakly conserved and there is a small physicochemical difference between serine and asparagine.